The following is an entry in ClinVar:

NM_004208.4(AIFM1):c.488C>G (p.Ser163Cys)

Genes: AIFM1 (apoptosis inducing factor mitochondria associated 1; minus strand), RAB33A (RAB33A, member RAS oncogene family; plus strand). Cytogenetic location: Xq26.1.
Variant type: single nucleotide variant.
Coding change: c.488C>G on transcript NM_004208.4 (MANE Select); coding-DNA position 488, C replaced by G.
Protein change: p.Ser163Cys; replaces serine 163 with cysteine.
Molecular consequence: missense variant. On other transcripts: non-coding transcript variant (1).
Genome position (GRCh38, 1-based): chrX:130,147,610, G>C on the plus strand (C>G on the coding strand, the complement: AIFM1 is on the minus strand). VCF-style: chrX-130147610-G-C. GRCh37 (hg19) VCF-style: chrX-129281585-G-C.
Other names: c.488C>G, p.Ser163Cys (NM_001130847.4); c.476C>G, p.Ser159Cys (NM_145812.3); short protein forms S163C, S159C.
Identifiers: ClinVar variation 3029174 (VCV003029174.2), dbSNP rs1313521061, ClinGen allele CA414588516.

ClinVar aggregate classification (germline): Uncertain significance (0 of 4 stars; one submission).

Conditions:
AIFM1-related disorder. Also called: AIFM1-related condition.

Allele frequency attached by ClinVar (database versions not stated): TOPMed below 0.00001; gnomAD 0.00001; gnomAD exomes 0.00001.
gnomAD v4.1: 11 of 1,210,543 alleles (0.00091%); highest among the groups gnomAD compares: African/African-American, 0.0035%; no homozygotes.

Submission:

PreventionGenetics, part of Exact Sciences
Classification: Uncertain significance for AIFM1-related condition. Last evaluated: 2023-11-02. Review status: no assertion criteria provided. Collection method: clinical testing. Allele origin: germline.
Comment: The AIFM1 c.488C>G variant is predicted to result in the amino acid substitution p.Ser163Cys. To our knowledge, this variant has not been reported in the literature or in a large population database, indicating this variant is rare. At this time, the clinical significance of this variant is uncertain due to the absence of conclusive functional and genetic evidence.